The following is an entry in ClinVar:

ClinVar aggregate classification (germline): Uncertain significance (1 of 4 stars; one submission).

Conditions:
LAMA2-related muscular dystrophy (LAMA2-RD). Also called: Laminin alpha 2-related dystrophy. Identifiers: MedGen C5679788, MONDO:0100228.

Allele frequency attached by ClinVar (database versions not stated): TOPMed below 0.00001; gnomAD 0.00001.
gnomAD v4.1: 2 of 1,613,336 alleles (0.00012%); highest among the groups gnomAD compares: East Asian, 0.0045%; no homozygotes.

Submission:

Labcorp Genetics (formerly Invitae), Labcorp
Classification: Uncertain significance for LAMA2-related muscular dystrophy. Last evaluated: 2021-08-24. Review status: criteria provided, single submitter. Criteria: Invitae Variant Classification Sherloc (09022015). Collection method: clinical testing. Allele origin: germline.
Comment: This sequence change replaces asparagine with lysine at codon 1765 of the LAMA2 protein (p.Asn1765Lys). The asparagine residue is moderately conserved and there is a moderate physicochemical difference between asparagine and lysine. This variant is not present in population databases (ExAC no frequency). This variant has not been reported in the literature in individuals affected with LAMA2-related conditions. Algorithms developed to predict the effect of missense changes on protein structure and function are either unavailable or do not agree on the potential impact of this missense change (SIFT: "Tolerated"; PolyPhen-2: "Possibly Damaging"; Align-GVGD: "Class C0"). In summary, the available evidence is currently insufficient to determine the role of this variant in disease. Therefore, it has been classified as a Variant of Uncertain Significance.

NM_000426.4(LAMA2):c.5295T>G (p.Asn1765Lys)

Gene: LAMA2 (laminin subunit alpha 2; plus strand). Cytogenetic location: 6q22.33.
Variant type: single nucleotide variant.
Coding change: c.5295T>G on transcript NM_000426.4 (MANE Select); coding-DNA position 5295, T replaced by G.
Protein change: p.Asn1765Lys; replaces asparagine 1765 with lysine.
Molecular consequence: missense variant.
Genome position (GRCh38, 1-based): chr6:129,393,105, T>G. VCF-style: chr6-129393105-T-G. GRCh37 (hg19) VCF-style: chr6-129714250-T-G.
Other names: c.5295T>G, p.Asn1765Lys (NM_001079823.2); short protein forms N1765K.
Identifiers: ClinVar variation 944652 (VCV000944652.4), dbSNP rs1160667427, ClinGen allele CA365614681.